The following is an entry in ClinVar:

ClinVar aggregate classification (germline): Uncertain significance (1 of 4 stars; one submission).

Conditions:
Episodic ataxia type 2 (EA2). Also called: CEREBELLAR ATAXIA, PAROXYSMAL, ACETAZOLAMIDE-RESPONSIVE; CEREBELLOPATHY, HEREDITARY PAROXYSMAL; EPISODIC ATAXIA, NYSTAGMUS-ASSOCIATED; ACETAZOLAMIDE-RESPONSIVE HEREDITARY PAROXYSMAL CEREBELLAR ATAXIA; ATAXIA, EPISODIC, WITH NYSTAGMUS; ATAXIA, FAMILIAL PAROXYSMAL. Identifiers: Orphanet 97, MedGen C1720416, MONDO:0007163, OMIM 108500.
Developmental and epileptic encephalopathy, 42 (DEE42A). Also called: Epileptic encephalopathy, early infantile, 42; DEVELOPMENTAL AND EPILEPTIC ENCEPHALOPATHY 42A; EPILEPTIC ENCEPHALOPATHY, EARLY INFANTILE, 42A. Identifiers: MedGen C4310716, MONDO:0014917, OMIM 617106.

Submission:

Labcorp Genetics (formerly Invitae), Labcorp
Classification: Uncertain significance for Developmental and epileptic encephalopathy, 42; Episodic ataxia type 2. Last evaluated: 2023-06-05. Review status: criteria provided, single submitter. Criteria: Invitae Variant Classification Sherloc (09022015). Collection method: clinical testing. Allele origin: germline.
Comment: This sequence change replaces isoleucine, which is neutral and non-polar, with valine, which is neutral and non-polar, at codon 1315 of the CACNA1A protein (p.Ile1315Val). This variant is not present in population databases (gnomAD no frequency). Advanced modeling of protein sequence and biophysical properties (such as structural, functional, and spatial information, amino acid conservation, physicochemical variation, residue mobility, and thermodynamic stability) performed at Invitae indicates that this missense variant is not expected to disrupt CACNA1A protein function. In summary, the available evidence is currently insufficient to determine the role of this variant in disease. Therefore, it has been classified as a Variant of Uncertain Significance. This variant has not been reported in the literature in individuals affected with CACNA1A-related conditions.

NM_001127222.2(CACNA1A):c.3940A>G (p.Ile1314Val)

Genes: CACNA1A (calcium voltage-gated channel subunit alpha1 A; minus strand), LOC126862865 (CDK7 strongly-dependent group 2 enhancer GRCh37_chr19:13385818-13387017; plus strand). Cytogenetic location: 19p13.13.
Variant type: single nucleotide variant.
Coding change: c.3940A>G on transcript NM_001127222.2 (MANE Select); coding-DNA position 3940, A replaced by G.
Protein change: p.Ile1314Val; replaces isoleucine 1314 with valine.
Molecular consequence: missense variant.
Genome position (GRCh38, 1-based): chr19:13,275,899, T>C on the plus strand (A>G on the coding strand, the complement: CACNA1A is on the minus strand). VCF-style: chr19-13275899-T-C. GRCh37 (hg19) VCF-style: chr19-13386713-T-C.
Other names: c.3943A>G, p.Ile1315Val (NM_001174080.2, NM_001127221.2); c.3952A>G, p.Ile1318Val (NM_023035.3, NM_000068.4); short protein forms I1315V, I1314V, I1318V.
Identifiers: ClinVar variation 2948619 (VCV002948619.3), dbSNP rs2512810768, ClinGen allele CA404340234.